The following is an entry in ClinVar:

ClinVar aggregate classification (germline): Conflicting classifications of pathogenicity. Review status: criteria provided, conflicting classifications (1 of 4 stars). 4 submissions from 4 submitters: Uncertain significance (1); Benign (1); Likely benign (1). 1 of the submissions does not count toward it. Last evaluated 2025-12-20.

Conditions:
DARS2-related disorder. Also called: DARS2-related condition.
Leukoencephalopathy with brain stem and spinal cord involvement-high lactate syndrome (LBSL). Also called: LEUKOENCEPHALOPATHY WITH BRAINSTEM AND SPINAL CORD INVOLVEMENT AND LACTATE ELEVATION, MILD; MITOCHONDRIAL ASPARTYL-tRNA SYNTHETASE DEFICIENCY; Leukoencephalopathy with Brainstem and Spinal Cord Involvement and Lactate Elevation. Identifiers: Orphanet 137898, MedGen C1970180, MONDO:0012622, OMIM 611105.

Allele frequency attached by ClinVar (database versions not stated): gnomAD 0.00001 and 0.00007; TOPMed 0.00002; gnomAD exomes 0.00013 and 0.00039; ExAC 0.00039; 1000 Genomes Project 30x 0.00094; 1000 Genomes Project 0.00100.
gnomAD v4.1: 213 of 1,614,084 alleles (0.013%); highest among the groups gnomAD compares: South Asian, 0.21%; 3 homozygotes.

Submissions (4):

Labcorp Genetics (formerly Invitae), Labcorp
Classification: Benign. Last evaluated: 2025-12-20. Review status: criteria provided, single submitter. Criteria: Invitae Variant Classification Sherloc (09022015). Collection method: clinical testing. Allele origin: germline.

Illumina Laboratory Services, Illumina
Classification: Uncertain significance for Leukoencephalopathy with brain stem and spinal cord involvement-high lactate syndrome. Last evaluated: 2018-01-12. Review status: criteria provided, single submitter. Criteria: ICSL Variant Classification Criteria 13 December 2019. Collection method: clinical testing. Allele origin: germline.

GeneDx
Classification: Likely benign. Last evaluated: 2016-06-07. Review status: criteria provided, single submitter. Criteria: GeneDx Variant Classification (06012015). Collection method: clinical testing. Allele origin: germline. Affected: yes.
Comment: This variant is considered likely benign or benign based on one or more of the following criteria: it is a conservative change, it occurs at a poorly conserved position in the protein, it is predicted to be benign by multiple in silico algorithms, and/or has population frequency not consistent with disease.

PreventionGenetics, part of Exact Sciences
Classification: Likely benign for DARS2-related condition. Last evaluated: 2024-09-27. Review status: no assertion criteria provided. Collection method: clinical testing. Allele origin: germline. Not counted in ClinVar's aggregate classification.
Comment: This variant is classified as likely benign based on ACMG/AMP sequence variant interpretation guidelines (Richards et al. 2015 PMID: 25741868, with internal and published modifications).

NM_018122.5(DARS2):c.567G>A (p.Leu189=)

Gene: DARS2 (aspartyl-tRNA synthetase 2, mitochondrial; plus strand). Cytogenetic location: 1q25.1.
Variant type: single nucleotide variant.
Coding change: c.567G>A on transcript NM_018122.5 (MANE Select); coding-DNA position 567, G replaced by A.
Protein change: p.Leu189=; no amino-acid change (leucine 189 retained).
Molecular consequence: synonymous variant.
Genome position (GRCh38, 1-based): chr1:173,833,450, G>A. VCF-style: chr1-173833450-G-A. GRCh37 (hg19) VCF-style: chr1-173802588-G-A.
Other names: c.567G>A, p.Leu189= (NM_001365212.1, NM_001365213.2).
Identifiers: ClinVar variation 293815 (VCV000293815.10), dbSNP rs547708828, ClinGen allele CA1250165.
Genomic context (GRCh38, chr1:173,833,450, plus strand): 5'-TCGGTTGCAGTATCGCTACTTAGACTTGCGTAGTTTCCAAATGCAGTATAACCTGCGACT[G>A]AGGTCCCAGATGGTCATGAAAATGCGGGAATATCTCTGTAATCTGCATGGTAAGAGAAAT-3'
Protein context (NP_060592.2, residues 179-199): RSFQMQYNLR[Leu189=]RSQMVMKMRE